The following is an entry in ClinVar:

NM_001369369.1(FOXN1):c.1201C>G (p.Pro401Ala)

Gene: FOXN1 (forkhead box N1; plus strand). Cytogenetic location: 17q11.2.
Variant type: single nucleotide variant.
Coding change: c.1201C>G on transcript NM_001369369.1 (MANE Select); coding-DNA position 1201, C replaced by G.
Protein change: p.Pro401Ala; replaces proline 401 with alanine.
Molecular consequence: missense variant.
Genome position (GRCh38, 1-based): chr17:28,534,772, C>G. VCF-style: chr17-28534772-C-G. GRCh37 (hg19) VCF-style: chr17-26861790-C-G.
Other names: c.1201C>G, p.Pro401Ala (NM_003593.3); short protein forms P401A.
Identifiers: ClinVar variation 4997548 (VCV004997548.1).

ClinVar aggregate classification (germline): Uncertain significance (1 of 4 stars; one submission).

Conditions:
FOXN1-related disorder. Also called: FOXN1-related condition.

Submission:

PreventionGenetics, part of Exact Sciences
Classification: Uncertain significance for FOXN1-related condition. Last evaluated: 2025-06-30. Review status: criteria provided, single submitter. Criteria: ACMG Guidelines, 2015. Collection method: clinical testing. Allele origin: germline.
Comment: The FOXN1 c.1201C>G variant is predicted to result in the amino acid substitution p.Pro401Ala. To our knowledge, this variant has not been reported in the literature or in a large population database (gnomAD), indicating this variant is rare. At this time, the clinical significance of this variant is uncertain due to the absence of conclusive functional and genetic evidence.